The following is an entry in ClinVar:

ClinVar aggregate classification (germline): Uncertain significance (1 of 4 stars; one submission).

Submission:

Ambry Genetics
Classification: Uncertain significance. Last evaluated: 2024-09-20. Review status: criteria provided, single submitter. Criteria: Ambry Variant Classification Scheme 2023. Collection method: clinical testing. Allele origin: germline.
Comment: The p.Q82H variant (also known as c.246G>C), located in coding exon 1 of the MLH3 gene, results from a G to C substitution at nucleotide position 246. The glutamine at codon 82 is replaced by histidine, an amino acid with highly similar properties. This amino acid position is conserved. In addition, this alteration is predicted to be tolerated by in silico analysis. Based on the available evidence, the clinical significance of this variant remains unclear.

NM_001040108.2(MLH3):c.246G>C (p.Gln82His)

Gene: MLH3 (mutL homolog 3; minus strand). Cytogenetic location: 14q24.3.
Variant type: single nucleotide variant.
Coding change: c.246G>C on transcript NM_001040108.2 (MANE Select); coding-DNA position 246, G replaced by C.
Protein change: p.Gln82His; replaces glutamine 82 with histidine.
Molecular consequence: missense variant.
Genome position (GRCh38, 1-based): chr14:75,049,410, C>G on the plus strand (G>C on the coding strand, the complement: MLH3 is on the minus strand). VCF-style: chr14-75049410-C-G. GRCh37 (hg19) VCF-style: chr14-75516113-C-G.
Other names: c.246G>C, p.Gln82His (NM_014381.3); short protein forms Q82H.
Identifiers: ClinVar variation 3396726 (VCV003396726.1).